The following is an entry in ClinVar:

ClinVar aggregate classification (germline): Benign (1 of 4 stars; one submission).

Conditions:
Diamond-Blackfan anemia 3 (DBA3). Also called: RPS24-Related Diamond-Blackfan Anemia. Identifiers: Orphanet 124, MedGen C1857719, MONDO:0012529, OMIM 610629.

Allele frequency attached by ClinVar (database versions not stated): gnomAD 0.00004 and 0.00007; TOPMed 0.00006; ExAC 0.00007; gnomAD exomes 0.00007; 1000 Genomes Project 30x 0.00016; 1000 Genomes Project 0.00020.
gnomAD v4.1: 120 of 1,614,018 alleles (0.0074%); highest among the groups gnomAD compares: Middle Eastern, 0.082%; 1 homozygote.

Submission:

Illumina Laboratory Services, Illumina
Classification: Benign for Diamond-Blackfan anemia 3. Last evaluated: 2018-01-15. Review status: criteria provided, single submitter. Criteria: ICSL Variant Classification Criteria 13 December 2019. Collection method: clinical testing. Allele origin: germline.
Comment: This variant was observed in the ICSL laboratory as part of a predisposition screen in an ostensibly healthy population. It had not been previously curated by ICSL or reported in the Human Gene Mutation Database (HGMD: prior to June 1st, 2018), and was therefore a candidate for classification through an automated scoring system. Utilizing variant allele frequency, disease prevalence and penetrance estimates, and inheritance mode, an automated score was calculated to assess if this variant is too frequent to cause the disease. Based on the score and internal cut-off values, a variant classified as benign is not then subjected to further curation. The score for this variant resulted in a classification of benign for this disease.

NM_033022.4(RPS24):c.-32C>T

Genes: RPS24 (ribosomal protein S24; plus strand), LOC130004144 (ATAC-STARR-seq lymphoblastoid active region 3613; plus strand). Cytogenetic location: 10q22.3.
Variant type: single nucleotide variant.
Coding change: c.-32C>T on transcript NM_033022.4 (MANE Select); 32 bases upstream of the start codon, C replaced by T.
Molecular consequence: 5 prime UTR variant.
Genome position (GRCh38, 1-based): chr10:78,033,870, C>T. VCF-style: chr10-78033870-C-T. GRCh37 (hg19) VCF-style: chr10-79793628-C-T.
Other names: c.-32C>T (NM_001026.5, NM_001142282.2, NM_001142283.2 and 2 more transcripts).
Identifiers: ClinVar variation 877453 (VCV000877453.4), dbSNP rs553773136, ClinGen allele CA5571853.